The following is an entry in ClinVar:

ClinVar aggregate classification (germline): Benign/Likely benign. Review status: criteria provided, multiple submitters, no conflicts (2 of 4 stars). 3 submissions from 3 submitters: Benign (1); Likely benign (2). Last evaluated 2025-06-20.

Conditions:
Hereditary cancer-predisposing syndrome. Also called: Hereditary neoplastic syndrome; Neoplastic Syndromes, Hereditary; Tumor predisposition; Hereditary Cancer Syndrome. Identifiers: Orphanet 140162, MedGen C0027672, MeSH D009386, MONDO:0015356.
Lynch syndrome 4 (LYNCH4). Also called: Hereditary non-polyposis colorectal cancer, type 4; Colorectal cancer, hereditary nonpolyposis, type 4. Identifiers: Orphanet 144, MedGen C1838333, MONDO:0013699, OMIM 614337. Disease mechanism: loss of function.
Hereditary nonpolyposis colorectal neoplasms. Identifiers: MedGen C0009405, MeSH D003123.

Submissions (3):

Labcorp Genetics (formerly Invitae), Labcorp
Classification: Likely benign for Hereditary nonpolyposis colorectal neoplasms. Last evaluated: 2025-06-20. Review status: criteria provided, single submitter. Criteria: Invitae Variant Classification Sherloc (09022015). Collection method: clinical testing. Allele origin: germline.

Myriad Genetics, Inc.
Classification: Benign for Lynch syndrome 4. Last evaluated: 2025-02-03. Review status: criteria provided, single submitter. Criteria: Myriad Autosomal Dominant, Autosomal Recessive and X-Linked Classification Criteria (2023). Collection method: clinical testing. Allele origin: unknown.
Comment: This variant is considered benign. This variant is a silent/synonymous amino acid change and it is not expected to impact splicing.

Ambry Genetics
Classification: Likely benign for Hereditary cancer-predisposing syndrome. Last evaluated: 2021-10-31. Review status: criteria provided, single submitter. Criteria: Ambry Variant Classification Scheme 2023. Collection method: clinical testing. Allele origin: germline.

NM_000535.7(PMS2):c.2193A>G (p.Leu731=)

Gene: PMS2 (PMS1 homolog 2, mismatch repair system component; minus strand). Cytogenetic location: 7p22.1.
Variant type: single nucleotide variant.
Coding change: c.2193A>G on transcript NM_000535.7 (MANE Select); coding-DNA position 2193, A replaced by G.
Protein change: p.Leu731=; no amino-acid change (leucine 731 retained).
Molecular consequence: synonymous variant. On other transcripts: non-coding transcript variant (1).
Genome position (GRCh38, 1-based): chr7:5,978,678, T>C on the plus strand (A>G on the coding strand, the complement: PMS2 is on the minus strand). VCF-style: chr7-5978678-T-C. GRCh37 (hg19) VCF-style: chr7-6018309-T-C.
Other names: c.1788A>G, p.Leu596= (NM_001322003.2, NM_001322004.2, NM_001322005.2 and 1 more transcripts); c.2037A>G, p.Leu679= (NM_001322006.2); c.1875A>G, p.Leu625= (NM_001322007.2, NM_001322008.2); c.1632A>G, p.Leu544= (NM_001322010.2); c.1260A>G, p.Leu420= (NM_001322011.2, NM_001322012.2); c.1620A>G, p.Leu540= (NM_001322013.2); c.2193A>G, p.Leu731= (NM_001322014.2); c.1884A>G, p.Leu628= (NM_001322015.2).
Identifiers: ClinVar variation 1144503 (VCV001144503.12), dbSNP rs2128683721, ClinGen allele CA453642727.